The following is an entry in ClinVar:

ClinVar aggregate classification (germline): Uncertain significance (1 of 4 stars; one submission).

Conditions:
Intellectual disability, autosomal recessive 53 (NEDHSCA). Also called: NEURODEVELOPMENTAL DISORDER WITH OR WITHOUT HYPOTONIA, SEIZURES, AND CEREBELLAR ATROPHY; GLYCOSYLPHOSPHATIDYLINOSITOL BIOSYNTHESIS DEFECT 13; Mental retardation, autosomal recessive 53. Identifiers: Orphanet 488635, MedGen C4310794, MONDO:0014832, OMIM 616917.

Allele frequency attached by ClinVar (database versions not stated): gnomAD 0.00001; TOPMed 0.00003.
gnomAD v4.1: 3 of 1,614,000 alleles (0.00019%); highest among the groups gnomAD compares: African/African-American, 0.0027%; no homozygotes.

Submission:

Labcorp Genetics (formerly Invitae), Labcorp
Classification: Uncertain significance for Intellectual disability, autosomal recessive 53. Last evaluated: 2021-08-30. Review status: criteria provided, single submitter. Criteria: Invitae Variant Classification Sherloc (09022015). Collection method: clinical testing. Allele origin: germline.
Comment: This sequence change replaces leucine with phenylalanine at codon 553 of the PIGG protein (p.Leu553Phe). The leucine residue is moderately conserved and there is a small physicochemical difference between leucine and phenylalanine. This variant is not present in population databases (ExAC no frequency). This variant has not been reported in the literature in individuals affected with PIGG-related conditions. Algorithms developed to predict the effect of missense changes on protein structure and function are either unavailable or do not agree on the potential impact of this missense change (SIFT: "Deleterious"; PolyPhen-2: "Possibly Damaging"; Align-GVGD: "Class C0"). In summary, the available evidence is currently insufficient to determine the role of this variant in disease. Therefore, it has been classified as a Variant of Uncertain Significance.

NM_001127178.3(PIGG):c.1657C>T (p.Leu553Phe)

Gene: PIGG (phosphatidylinositol glycan anchor biosynthesis class G (EMM blood group); plus strand). Cytogenetic location: 4p16.3.
Variant type: single nucleotide variant.
Coding change: c.1657C>T on transcript NM_001127178.3 (MANE Select); coding-DNA position 1657, C replaced by T.
Protein change: p.Leu553Phe; replaces leucine 553 with phenylalanine.
Molecular consequence: missense variant. On other transcripts: non-coding transcript variant (7).
Genome position (GRCh38, 1-based): chr4:523,501, C>T. VCF-style: chr4-523501-C-T. GRCh37 (hg19) VCF-style: chr4-517290-C-T.
Other names: c.1390C>T, p.Leu464Phe (NM_001289051.2, NM_001345986.2); c.1258C>T, p.Leu420Phe (NM_001289052.2); c.1366C>T, p.Leu456Phe (NM_001345987.2); c.628C>T, p.Leu210Phe (NM_001345988.2); c.124C>T, p.Leu42Phe (NM_001345990.2, NM_001345991.2); c.559C>T, p.Leu187Phe (NM_001345994.2); c.1633C>T, p.Leu545Phe (NM_017733.5); short protein forms L187F, L210F, L464F, L420F, L42F, L456F, L545F, L553F.
Identifiers: ClinVar variation 1479582 (VCV001479582.5), dbSNP rs749815897, ClinGen allele CA91066747.